The following is an entry in ClinVar:

NM_001003800.2(BICD2):c.1914C>G (p.Ile638Met)

Gene: BICD2 (BICD cargo adaptor 2; minus strand). Cytogenetic location: 9q22.31.
Variant type: single nucleotide variant.
Coding change: c.1914C>G on transcript NM_001003800.2 (MANE Select); coding-DNA position 1914, C replaced by G.
Protein change: p.Ile638Met; replaces isoleucine 638 with methionine.
Molecular consequence: missense variant.
Genome position (GRCh38, 1-based): chr9:92,718,731, G>C on the plus strand (C>G on the coding strand, the complement: BICD2 is on the minus strand). VCF-style: chr9-92718731-G-C. GRCh37 (hg19) VCF-style: chr9-95481013-G-C.
Other names: c.1914C>G, p.Ile638Met (NM_015250.4); short protein forms I638M.
Identifiers: ClinVar variation 2961182 (VCV002961182.3), dbSNP rs1217921429, ClinGen allele CA374034931.

ClinVar aggregate classification (germline): Uncertain significance (1 of 4 stars; one submission).

Conditions:
Autosomal dominant childhood-onset proximal spinal muscular atrophy with contractures (SMALED2A). Also called: SPINAL MUSCULAR ATROPHY, LOWER EXTREMITY-PREDOMINANT, 2A, CHILDHOOD ONSET, AUTOSOMAL DOMINANT; Spinal muscular atrophy, lower extremity-predominant, 2A, autosomal dominant. Identifiers: Orphanet 363447, Orphanet 363454, MedGen C4747715, MONDO:0014121, OMIM 615290.

gnomAD v4.1: 5 of 1,614,162 alleles (0.00031%); highest among the groups gnomAD compares: Non-Finnish European, 0.00042%; no homozygotes.

Submission:

Labcorp Genetics (formerly Invitae), Labcorp
Classification: Uncertain significance for Autosomal dominant childhood-onset proximal spinal muscular atrophy with contractures. Last evaluated: 2024-01-22. Review status: criteria provided, single submitter. Criteria: Invitae Variant Classification Sherloc (09022015). Collection method: clinical testing. Allele origin: germline.
Comment: This sequence change replaces isoleucine, which is neutral and non-polar, with methionine, which is neutral and non-polar, at codon 638 of the BICD2 protein (p.Ile638Met). The frequency data for this variant in the population databases is considered unreliable, as metrics indicate poor data quality at this position in the gnomAD database. This variant has not been reported in the literature in individuals affected with BICD2-related conditions. Advanced modeling of protein sequence and biophysical properties (such as structural, functional, and spatial information, amino acid conservation, physicochemical variation, residue mobility, and thermodynamic stability) performed at Invitae indicates that this missense variant is not expected to disrupt BICD2 protein function with a negative predictive value of 80%. In summary, the available evidence is currently insufficient to determine the role of this variant in disease. Therefore, it has been classified as a Variant of Uncertain Significance.